The following is an entry in ClinVar:

NM_004230.4(S1PR2):c.678G>A (p.Pro226=)

Gene: S1PR2 (sphingosine-1-phosphate receptor 2; minus strand). Cytogenetic location: 19p13.2.
Variant type: single nucleotide variant.
Coding change: c.678G>A on transcript NM_004230.4 (MANE Select); coding-DNA position 678, G replaced by A.
Protein change: p.Pro226=; no amino-acid change (proline 226 retained).
Molecular consequence: synonymous variant.
Genome position (GRCh38, 1-based): chr19:10,224,228, C>T on the plus strand (G>A on the coding strand, the complement: S1PR2 is on the minus strand). VCF-style: chr19-10224228-C-T. GRCh37 (hg19) VCF-style: chr19-10334904-C-T.
Identifiers: ClinVar variation 682601 (VCV000682601.1), dbSNP rs757657597, ClinGen allele CA9189047.

ClinVar aggregate classification (germline): Likely benign (1 of 4 stars; one submission).

Allele frequency attached by ClinVar (database versions not stated): gnomAD exomes below 0.00001 and 0.00001; ExAC 0.00001.

Submission:

GeneDx
Classification: Likely benign. Last evaluated: 2018-05-11. Review status: criteria provided, single submitter. Criteria: GeneDx Variant Classification (06012015). Collection method: clinical testing. Allele origin: germline. Affected: yes.
Comment: This variant is considered likely benign or benign based on one or more of the following criteria: it is a conservative change, it occurs at a poorly conserved position in the protein, it is predicted to be benign by multiple in silico algorithms, and/or has population frequency not consistent with disease.